The following is an entry in ClinVar:

ClinVar aggregate classification (germline): Uncertain significance (1 of 4 stars; one submission).

Conditions:
Hereditary sensory and autonomic neuropathy type 7. Also called: Neuropathy, hereditary sensory and autonomic, type VII; HSAN VII. Identifiers: Orphanet 391397, MedGen C3809882, MONDO:0014244, OMIM 615548.
Familial episodic pain syndrome with predominantly lower limb involvement. Also called: Episodic pain syndrome, familial, 3. Identifiers: Orphanet 391384, Orphanet 391392, MedGen C3809899, MONDO:0014247, OMIM 615552.

Submission:

Labcorp Genetics (formerly Invitae), Labcorp
Classification: Uncertain significance for Familial episodic pain syndrome with predominantly lower limb involvement; Hereditary sensory and autonomic neuropathy type 7. Last evaluated: 2025-10-02. Review status: criteria provided, single submitter. Criteria: Invitae Variant Classification Sherloc (09022015). Collection method: clinical testing. Allele origin: germline.
Comment: This sequence change replaces aspartic acid, which is acidic and polar, with asparagine, which is neutral and polar, at codon 1621 of the SCN11A protein (p.Asp1621Asn). This variant is not present in population databases (gnomAD no frequency). This variant has not been reported in the literature in individuals affected with SCN11A-related conditions. ClinVar contains an entry for this variant (Variation ID: 3755202). Invitae Evidence Modeling of protein sequence and biophysical properties (such as structural, functional, and spatial information, amino acid conservation, physicochemical variation, residue mobility, and thermodynamic stability) indicates that this missense variant is expected to disrupt SCN11A protein function with a positive predictive value of 80%. In summary, the available evidence is currently insufficient to determine the role of this variant in disease. Therefore, it has been classified as a Variant of Uncertain Significance.

NM_001349253.2(SCN11A):c.4861G>A (p.Asp1621Asn)

Gene: SCN11A (sodium voltage-gated channel alpha subunit 11; minus strand). Cytogenetic location: 3p22.2.
Variant type: single nucleotide variant.
Coding change: c.4861G>A on transcript NM_001349253.2 (MANE Select); coding-DNA position 4861, G replaced by A.
Protein change: p.Asp1621Asn; replaces aspartic acid 1621 with asparagine.
Molecular consequence: missense variant.
Genome position (GRCh38, 1-based): chr3:38,847,209, C>T on the plus strand (G>A on the coding strand, the complement: SCN11A is on the minus strand). VCF-style: chr3-38847209-C-T. GRCh37 (hg19) VCF-style: chr3-38888700-C-T.
Other names: c.4861G>A, p.Asp1621Asn (NM_014139.3); short protein forms D1621N.
Identifiers: ClinVar variation 3755202 (VCV003755202.2).